The following is an entry in ClinVar:

NM_002317.7(LOX):c.1009C>T (p.Arg337Ter)

Genes: SRFBP1 (serum response factor binding protein 1; plus strand), LOX (lysyl oxidase; minus strand). Cytogenetic location: 5q23.1.
Variant type: single nucleotide variant.
Coding change: c.1009C>T on transcript NM_002317.7 (MANE Select); coding-DNA position 1009, C replaced by T.
Protein change: p.Arg337Ter; replaces arginine 337 with a stop codon.
Molecular consequence: nonsense.
Genome position (GRCh38, 1-based): chr5:122,074,039, G>A on the plus strand (C>T on the coding strand, the complement: LOX is on the minus strand). VCF-style: chr5-122074039-G-A. GRCh37 (hg19) VCF-style: chr5-121409734-G-A.
Other names: c.319C>T, p.Arg107Ter (NM_001178102.2); c.118C>T, p.Arg40Ter (NM_001317073.1); short protein forms R107*, R337*, R40*.
Identifiers: ClinVar variation 974875 (VCV000974875.11), dbSNP rs1754538399, ClinGen allele CA360881414.

ClinVar aggregate classification (germline): Pathogenic/Likely pathogenic. Review status: criteria provided, multiple submitters, no conflicts (2 of 4 stars). 4 submissions from 4 submitters: Pathogenic (2); Likely pathogenic (2). Last evaluated 2023-10-13.

Conditions:
Aortic aneurysm, familial thoracic 10 (AAT10). Identifiers: MedGen C4284414, MONDO:0014950, OMIM 617168.

Allele frequency attached by ClinVar (database versions not stated): gnomAD exomes below 0.00001.
gnomAD v4.1: 1 of 1,614,014 alleles (0.000062%); highest among the groups gnomAD compares: Non-Finnish European, 0.000085%; no homozygotes.

Submissions (4):

Labcorp Genetics (formerly Invitae), Labcorp
Classification: Pathogenic. Last evaluated: 2023-10-13. Review status: criteria provided, single submitter. Criteria: Invitae Variant Classification Sherloc (09022015). Collection method: clinical testing. Allele origin: germline.
Comment: This sequence change creates a premature translational stop signal (p.Arg337*) in the LOX gene. It is expected to result in an absent or disrupted protein product. Loss-of-function variants in LOX are known to be pathogenic (PMID: 12417550, 26838787, 27432961). This variant is not present in population databases (gnomAD no frequency). This premature translational stop signal has been observed in individual(s) with clinical features of LOX-related conditions (PMID: 32860008). ClinVar contains an entry for this variant (Variation ID: 974875). Algorithms developed to predict the effect of sequence changes on RNA splicing suggest that this variant may create or strengthen a splice site. For these reasons, this variant has been classified as Pathogenic.

GeneDx
Classification: Pathogenic. Last evaluated: 2023-06-21. Review status: criteria provided, single submitter. Criteria: GeneDx Variant Classification Process June 2021. Collection method: clinical testing. Allele origin: germline. Affected: yes.
Comment: Identified in a patient with aortic aneurysm and dissection in addition to global developmental delay, autism, failure to thrive, arthralgia, and lower limb weakness in the literature (Bertoli-Avella et al., 2021); however, no other information about the family or if the patient had other genetic findings was reported; Nonsense variant predicted to result in protein truncation or nonsense mediated decay in a gene for which loss of function is a known mechanism of disease; Not observed at significant frequency in large population cohorts (gnomAD); This variant is associated with the following publications: (PMID: 32860008)

Revvity Omics, Revvity
Classification: Likely pathogenic for Aortic aneurysm, familial thoracic 10. Last evaluated: 2021-03-26. Review status: criteria provided, single submitter. Criteria: ACMG Guidelines, 2015. Collection method: clinical testing. Allele origin: germline.

CENTOGENE GmbH and LLC - Guiding Precision Medicine
Classification: Likely pathogenic for Aortic aneurysm, familial thoracic 10. Review status: criteria provided, single submitter. Criteria: ACMG Guidelines, 2015. Collection method: clinical testing. Allele origin: germline. Affected: yes.

Literature cited by the submitters: PubMed 12417550 (cited by Labcorp Genetics (formerly Invitae), Labcorp); PubMed 26838787 (cited by Labcorp Genetics (formerly Invitae), Labcorp); PubMed 27432961 (cited by Labcorp Genetics (formerly Invitae), Labcorp); PubMed 32860008 (cited by Labcorp Genetics (formerly Invitae), Labcorp and CENTOGENE GmbH and LLC - Guiding Precision Medicine).